The following is an entry in ClinVar:

NM_002473.6(MYH9):c.729T>G (p.Phe243Leu)

Gene: MYH9 (myosin heavy chain 9; minus strand). Cytogenetic location: 22q12.3.
Variant type: single nucleotide variant.
Coding change: c.729T>G on transcript NM_002473.6 (MANE Select); coding-DNA position 729, T replaced by G.
Protein change: p.Phe243Leu; replaces phenylalanine 243 with leucine.
Molecular consequence: missense variant.
Genome position (GRCh38, 1-based): chr22:36,321,798, A>C on the plus strand (T>G on the coding strand, the complement: MYH9 is on the minus strand). VCF-style: chr22-36321798-A-C. GRCh37 (hg19) VCF-style: chr22-36717843-A-C.
Other names: c.729T>G (NM_002473.4); short protein forms F243L.
Identifiers: ClinVar variation 2760014 (VCV002760014.5), dbSNP rs2517995624, ClinGen allele CA411406148.
Genomic context (GRCh38, chr22:36,321,798, plus strand): 5'-CCAACGAACCACAAGGATACAAGTCTCAATGTTGGCTCCAACAATGTAGCCATTGACATC[A>C]AAGTTGATGCGAATGAATTTGCCCTAAGTAAGAAAGGATAGCAAGAGATCAGAGGTGCCC-3'
Protein context (NP_002464.1, residues 233-253): SRFGKFIRIN[Phe243Leu]DVNGYIVGAN

ClinVar aggregate classification (germline): Uncertain significance. Review status: criteria provided, multiple submitters, no conflicts (2 of 4 stars). 2 submissions from 2 submitters: Uncertain significance (2). Last evaluated 2026-09-30.

Submissions (2):

GeneDx
Classification: Uncertain significance. Last evaluated: 2026-09-30. Review status: criteria provided, single submitter. Criteria: GeneDx Variant Classification Process June 2021. Collection method: clinical testing. Allele origin: germline.
Comment: Not observed at significant frequency in large population cohorts (gnomAD); In silico analysis supports that this missense variant has a deleterious effect on protein structure/function; Has not been previously published as pathogenic or benign to our knowledge

Labcorp Genetics (formerly Invitae), Labcorp
Classification: Uncertain significance. Last evaluated: 2024-03-16. Review status: criteria provided, single submitter. Criteria: Invitae Variant Classification Sherloc (09022015). Collection method: clinical testing. Allele origin: germline.
Comment: This sequence change replaces phenylalanine, which is neutral and non-polar, with leucine, which is neutral and non-polar, at codon 243 of the MYH9 protein (p.Phe243Leu). This variant is not present in population databases (gnomAD no frequency). This variant has not been reported in the literature in individuals affected with MYH9-related conditions. Advanced modeling of protein sequence and biophysical properties (such as structural, functional, and spatial information, amino acid conservation, physicochemical variation, residue mobility, and thermodynamic stability) has been performed at Invitae for this missense variant, however the output from this modeling did not meet the statistical confidence thresholds required to predict the impact of this variant on MYH9 protein function. In summary, the available evidence is currently insufficient to determine the role of this variant in disease. Therefore, it has been classified as a Variant of Uncertain Significance.